The following is an entry in ClinVar:

NM_033028.5(BBS4):c.1309A>G (p.Thr437Ala)

Gene: BBS4 (Bardet-Biedl syndrome 4; plus strand). Cytogenetic location: 15q24.1.
Variant type: single nucleotide variant.
Coding change: c.1309A>G on transcript NM_033028.5 (MANE Select); coding-DNA position 1309, A replaced by G.
Protein change: p.Thr437Ala; replaces threonine 437 with alanine.
Molecular consequence: missense variant. On other transcripts: non-coding transcript variant (2).
Genome position (GRCh38, 1-based): chr15:72,736,822, A>G. VCF-style: chr15-72736822-A-G. GRCh37 (hg19) VCF-style: chr15-73029163-A-G.
Other names: c.793A>G, p.Thr265Ala (NM_001252678.2); c.1240A>G, p.Thr414Ala (NM_001320665.2); short protein forms T437A, T265A, T414A.
Identifiers: ClinVar variation 317064 (VCV000317064.9), dbSNP rs775122250, ClinGen allele CA7646991.
Genomic context (GRCh38, chr15:72,736,822, plus strand): 5'-ATGGTGGAGATGGCTCAGAAGTTGGGAGCTGCTCTCCAGGTTGGGGAGGCACTGGTCTGG[A>G]CCAAACCAGTTAAAGATCCCAAATCAAAGCACCAGACCACTTCAACCAGCAAACCTGCCA-3'
Protein context (NP_149017.2, residues 427-447): ALQVGEALVW[Thr437Ala]KPVKDPKSKH

ClinVar aggregate classification (germline): Uncertain significance. Review status: criteria provided, multiple submitters, no conflicts (2 of 4 stars). 4 submissions from 4 submitters: Uncertain significance (4). Last evaluated 2026-01-14.

Conditions:
BBS4-related disorder. Also called: BBS4-related condition.
Bardet-Biedl syndrome 4 (BBS4). Identifiers: Orphanet 110, MedGen C2936864, MONDO:0014433, OMIM 615982.
Bardet-Biedl syndrome (BBS). Identifiers: Orphanet 110, MedGen C0752166, MONDO:0015229.

Allele frequency attached by ClinVar (database versions not stated): ExAC 0.00001; gnomAD 0.00001; TOPMed 0.00001; gnomAD exomes 0.00002 and 0.00008.
gnomAD v4.1: 119 of 1,614,052 alleles (0.0074%); highest among the groups gnomAD compares: Non-Finnish European, 0.0099%; no homozygotes.

Submissions (4):

PreventionGenetics, part of Exact Sciences
Classification: Uncertain significance for BBS4-related condition. Last evaluated: 2026-01-14. Review status: criteria provided, single submitter. Criteria: ACMG Guidelines, 2015. Collection method: clinical testing. Allele origin: germline.
Comment: The BBS4 c.1309A>G variant is predicted to result in the amino acid substitution p.Thr437Ala. To our knowledge, this variant has not been reported in the literature. This variant is reported in 0.0040% of alleles in individuals of African descent in gnomAD. At this time, the clinical significance of this variant is uncertain due to the absence of conclusive functional and genetic evidence.

Blueprint Genetics
Classification: Uncertain significance. Last evaluated: 2024-05-08. Review status: criteria provided, single submitter. Criteria: ACMG Guidelines, 2015. Collection method: clinical testing. Allele origin: germline.

Labcorp Genetics (formerly Invitae), Labcorp
Classification: Uncertain significance for Bardet-Biedl syndrome. Last evaluated: 2022-07-22. Review status: criteria provided, single submitter. Criteria: Invitae Variant Classification Sherloc (09022015). Collection method: clinical testing. Allele origin: germline.
Comment: This sequence change replaces threonine, which is neutral and polar, with alanine, which is neutral and non-polar, at codon 437 of the BBS4 protein (p.Thr437Ala). This variant is present in population databases (rs775122250, gnomAD 0.004%). This variant has not been reported in the literature in individuals affected with BBS4-related conditions. ClinVar contains an entry for this variant (Variation ID: 317064). Algorithms developed to predict the effect of missense changes on protein structure and function are either unavailable or do not agree on the potential impact of this missense change (SIFT: "Deleterious"; PolyPhen-2: "Benign"; Align-GVGD: "Class C0"). In summary, the available evidence is currently insufficient to determine the role of this variant in disease. Therefore, it has been classified as a Variant of Uncertain Significance.

Illumina Laboratory Services, Illumina
Classification: Uncertain significance for Bardet-Biedl syndrome 4. Last evaluated: 2018-01-13. Review status: criteria provided, single submitter. Criteria: ICSL Variant Classification Criteria 13 December 2019. Collection method: clinical testing. Allele origin: germline.